The following is an entry in ClinVar:

NM_000156.6(GAMT):c.460-31G>A

Gene: GAMT (guanidinoacetate N-methyltransferase; minus strand). Cytogenetic location: 19p13.3.
Variant type: single nucleotide variant.
Coding change: c.460-31G>A on transcript NM_000156.6 (MANE Select); 31 bases into the intron before coding-DNA position 460, G replaced by A.
Molecular consequence: intron variant.
Genome position (GRCh38, 1-based): chr19:1,399,057, C>T on the plus strand (G>A on the coding strand, the complement: GAMT is on the minus strand). VCF-style: chr19-1399057-C-T. GRCh37 (hg19) VCF-style: chr19-1399056-C-T.
Other names: c.460-31G>A (NM_138924.3, NM_000156.4).
Identifiers: ClinVar variation 21067 (VCV000021067.17), dbSNP rs55776826, ClinGen allele CA341574.
Genomic context (GRCh38, chr19:1,399,057, plus strand): 5'-CCCCGGCTTCAGCAGGCGAAAGGCGTGGTTCTGTGGAAGGGGAGTGGCCAGTGGTCAGGA[C>T]GGAGGTGGGGGTGTGGGCAGAGGGGCTTCCCCGAGGGCCTCCCGCATCCCAGCAAGTCAG-3'

ClinVar aggregate classification (germline): Benign. Review status: reviewed by expert panel (3 of 4 stars). 7 submissions from 7 submitters: Benign (1). 6 of the submissions do not count toward it. Last evaluated 2025-12-10.

Conditions:
Deficiency of guanidinoacetate methyltransferase (CCDS2). Also called: Guanidinoacetate Methyltransferase (GAMT) Deficiency; CEREBRAL CREATINE DEFICIENCY SYNDROME 2; GAMT DEFICIENCY. Identifiers: Orphanet 382, MedGen C0574080, MONDO:0012999, OMIM 612736.

Allele frequency attached by ClinVar (database versions not stated): 1000 Genomes Project 30x 0.11399; gnomAD 0.14411 and 0.14197; gnomAD exomes 0.12780 and 0.14316; TOPMed 0.13852; 1000 Genomes Project 0.11322; ExAC 0.12942; ESP Exome Variant Server 0.15293.
gnomAD v4.1: 230,601 of 1,613,130 alleles (14%); highest among the groups gnomAD compares: African/African-American, 16%; 17,240 homozygotes.

Submissions (7):

ClinGen Cerebral Creatine Deficiency Syndromes Variant Curation Expert Panel, ClinGen
Classification: Benign for Deficiency of guanidinoacetate methyltransferase. Last evaluated: 2025-12-10. Review status: reviewed by expert panel. Criteria: ClinGen CCDS ACMG Specifications GAMT V2.0.0. Collection method: curation. Allele origin: germline. Inheritance: Autosomal recessive inheritance.
Comment: The NM_000156.6:c.460-31G>A variant is a nucleotide substitution in intron 4 of GAMT. The highest population minor allele frequency in gnomAD v4.1.0. is 0.1592 (11936/74990 alleles; 985 homozygotes) in the African/African American population, which is higher than the ClinGen CCDS VCEP’s threshold for BA1 (>0.003), and therefore meets this criterion (BA1). In summary, this variant meets the stand alone criterion to be classified as benign for guanidinoacetate methyltransferase deficiency. GAMT-specific ACMG/AMP criteria met, as specified by the ClinGen Creatine Deficiency Syndromes Variant Curation Expert Panel (Specifications Version 2.0.0.): BA1 (Classification approved by the ClinGen Cerebral Creatine Deficiency Syndromes Variant Curation Expert Panel on December 10, 2025)

Unidad de Genómica Garrahan, Hospital de Pediatría Garrahan
Classification: Benign. Last evaluated: 2024-07-31. Review status: criteria provided, single submitter. Criteria: ACMG Guidelines, 2015. Collection method: clinical testing. Allele origin: germline. Affected: no. Observed: 29 variant alleles. Not counted in ClinVar's aggregate classification.
Comment: This variant is classified as Benign based on local population frequency. This variant was detected in 31% of patients studied in a panel designed for Epileptic and Developmental Encephalopathy, Progressive Myoclonus Epilepsy and Abnormal Movements and Neurodegeneration with brain iron accumulation. Number of patients: 29. Only high quality variants are reported.

Genome-Nilou Lab
Classification: Benign for Deficiency of guanidinoacetate methyltransferase. Last evaluated: 2021-07-10. Review status: criteria provided, single submitter. Criteria: ACMG Guidelines, 2015. Collection method: clinical testing. Allele origin: germline. Affected: no. Not counted in ClinVar's aggregate classification.

ARUP Laboratories, Molecular Genetics and Genomics, ARUP Laboratories
Classification: Benign for Deficiency of guanidinoacetate methyltransferase. Last evaluated: 2018-12-04. Review status: criteria provided, single submitter. Criteria: ARUP Molecular Germline Variant Investigation Process. Collection method: clinical testing. Allele origin: germline. Not counted in ClinVar's aggregate classification.

GeneDx
Classification: Benign. Last evaluated: 2018-06-16. Review status: criteria provided, single submitter. Criteria: GeneDx Variant Classification (06012015). Collection method: clinical testing. Allele origin: germline. Affected: yes. Not counted in ClinVar's aggregate classification.
Comment: This variant is considered likely benign or benign based on one or more of the following criteria: it is a conservative change, it occurs at a poorly conserved position in the protein, it is predicted to be benign by multiple in silico algorithms, and/or has population frequency not consistent with disease.

Breakthrough Genomics
Classification: Benign. Review status: criteria provided, single submitter. Criteria: ACMG Guidelines, 2015. Collection method: not provided. Allele origin: germline. Inheritance: Autosomal recessive inheritance. Affected: yes. Not counted in ClinVar's aggregate classification.

GeneReviews
No classification provided. Condition: Deficiency of guanidinoacetate methyltransferase. Review status: no classification provided. Collection method: literature only. Allele origin: unknown. Not counted in ClinVar's aggregate classification.

Literature cited by the submitters: PubMed 11978605 (cited by GeneReviews); PubMed 15108290 (cited by GeneReviews); PubMed 20301745 (cited by GeneReviews); NCBI Bookshelf NBK3794 (cited by GeneReviews).